The following is an entry in ClinVar:

ClinVar aggregate classification (germline): Uncertain significance. Review status: criteria provided, multiple submitters, no conflicts (2 of 4 stars). 4 submissions from 4 submitters: Uncertain significance (4). Last evaluated 2026-06-29.

Conditions:
Hereditary cancer-predisposing syndrome. Also called: Tumor predisposition; Hereditary neoplastic syndrome; Neoplastic Syndromes, Hereditary; Hereditary Cancer Syndrome. Identifiers: Orphanet 140162, MedGen C0027672, MeSH D009386, MONDO:0015356.
Tumor predisposition syndrome 3 (TPDS3). Also called: Melanoma, cutaneous malignant, susceptibility to, 10; Glioma susceptibility 9; LONG TELOMERE SYNDROME, POT1-RELATED; POT1 Tumor Predisposition. Identifiers: Orphanet 618, MedGen C4014476, MONDO:0014368, OMIM 615848.

Allele frequency attached by ClinVar (database versions not stated): gnomAD exomes below 0.00001; TOPMed 0.00003; gnomAD 0.00001.
gnomAD v4.1: 4 of 1,582,468 alleles (0.00025%); highest among the groups gnomAD compares: African/African-American, 0.0013%; no homozygotes.

Submissions (4):

Ambry Genetics
Classification: Uncertain significance for Hereditary cancer-predisposing syndrome. Last evaluated: 2026-06-29. Review status: criteria provided, single submitter. Criteria: Ambry Variant Classification Scheme 2023. Collection method: clinical testing. Allele origin: germline.

Labcorp Genetics (formerly Invitae), Labcorp
Classification: Uncertain significance for Tumor predisposition syndrome 3. Last evaluated: 2026-01-31. Review status: criteria provided, single submitter. Criteria: Invitae Variant Classification Sherloc (09022015). Collection method: clinical testing. Allele origin: germline.
Comment: This sequence change replaces valine, which is neutral and non-polar, with isoleucine, which is neutral and non-polar, at codon 183 of the POT1 protein (p.Val183Ile). This variant is present in population databases (no rsID available, gnomAD no frequency). This variant has not been reported in the literature in individuals affected with POT1-related conditions. ClinVar contains an entry for this variant (Variation ID: 825762). An algorithm developed to predict the effect of missense changes on protein structure and function (PolyPhen-2) suggests that this variant is likely to be disruptive. RNA analysis performed to evaluate the impact of this missense change on mRNA splicing indicates it does not significantly alter splicing (internal data). In summary, the available evidence is currently insufficient to determine the role of this variant in disease. Therefore, it has been classified as a Variant of Uncertain Significance.

GeneDx
Classification: Uncertain significance. Last evaluated: 2023-12-18. Review status: criteria provided, single submitter. Criteria: GeneDx Variant Classification Process June 2021. Collection method: clinical testing. Allele origin: germline. Affected: yes.
Comment: Not observed at significant frequency in large population cohorts (gnomAD); In silico analysis supports that this missense variant does not alter protein structure/function; Has not been previously published as pathogenic or benign to our knowledge; In silico analysis is inconclusive as to whether the variant alters gene splicing. In the absence of RNA/functional studies, the actual effect of this sequence change is unknown.; This variant is associated with the following publications: (PMID: 28393830, 29641532)

Quest Diagnostics Nichols Institute San Juan Capistrano
Classification: Uncertain significance. Last evaluated: 2023-06-13. Review status: criteria provided, single submitter. Criteria: Quest Diagnostics criteria. Collection method: clinical testing. Allele origin: unknown.
Comment: This variant has not been reported in the published literature. The frequency of this variant in the general population, 0.0000042 (1/236724 chromosomes (Genome Aggregation Database)), is uninformative in the assessment of its pathogenicity. Analysis of this variant using bioinformatics tools for the prediction of the effect of amino acid changes on protein structure and function yielded predictions that this variant is damaging. Based on the available information, we are unable to determine the clinical significance of this variant.

NM_015450.3(POT1):c.547G>A (p.Val183Ile)

Gene: POT1 (protection of telomeres 1; minus strand). Cytogenetic location: 7q31.33.
Variant type: single nucleotide variant.
Coding change: c.547G>A on transcript NM_015450.3 (MANE Select); coding-DNA position 547, G replaced by A.
Protein change: p.Val183Ile; replaces valine 183 with isoleucine.
Molecular consequence: missense variant. On other transcripts: non-coding transcript variant (3).
Genome position (GRCh38, 1-based): chr7:124,859,112, C>T on the plus strand (G>A on the coding strand, the complement: POT1 is on the minus strand). VCF-style: chr7-124859112-C-T. GRCh37 (hg19) VCF-style: chr7-124499166-C-T.
Other names: c.154G>A, p.Val52Ile (NM_001042594.2); short protein forms V52I, V183I.
Identifiers: ClinVar variation 825762 (VCV000825762.18), dbSNP rs1186225134, ClinGen allele CA369056859.